The following is an entry in ClinVar:

NM_002691.4(POLD1):c.671G>T (p.Arg224Leu)

Gene: POLD1 (DNA polymerase delta 1, catalytic subunit; plus strand). Cytogenetic location: 19q13.33.
Variant type: single nucleotide variant.
Coding change: c.671G>T on transcript NM_002691.4 (MANE Select); coding-DNA position 671, G replaced by T.
Protein change: p.Arg224Leu; replaces arginine 224 with leucine.
Molecular consequence: missense variant. On other transcripts: non-coding transcript variant (1).
Genome position (GRCh38, 1-based): chr19:50,402,286, G>T. VCF-style: chr19-50402286-G-T. GRCh37 (hg19) VCF-style: chr19-50905543-G-T.
Other names: c.671G>T (NM_002691.2); c.671G>T, p.Arg224Leu (NM_001256849.1, NM_001308632.1); short protein forms R224L.
Identifiers: ClinVar variation 1430509 (VCV001430509.9), dbSNP rs373001984, ClinGen allele CA406974279.

ClinVar aggregate classification (germline): Uncertain significance. Review status: criteria provided, multiple submitters, no conflicts (2 of 4 stars). 2 submissions from 2 submitters: Uncertain significance (2). Last evaluated 2022-11-17.

Conditions:
POLD1-related polyposis and colorectal cancer syndrome (CRCS10). Also called: Colorectal cancer 10; COLORECTAL CANCER, SUSCEPTIBILITY TO, ON CHROMOSOME 19q; Colorectal cancer, susceptibility to, 10. Identifiers: Orphanet 220460, MedGen C2675481, MONDO:0012953, OMIM 612591.
Hereditary cancer-predisposing syndrome. Also called: Neoplastic Syndromes, Hereditary; Tumor predisposition; Hereditary Cancer Syndrome; Hereditary neoplastic syndrome. Identifiers: Orphanet 140162, MedGen C0027672, MeSH D009386, MONDO:0015356.

Submissions (2):

Ambry Genetics
Classification: Uncertain significance for Hereditary cancer-predisposing syndrome. Last evaluated: 2022-11-17. Review status: criteria provided, single submitter. Criteria: Ambry Variant Classification Scheme 2023. Collection method: clinical testing. Allele origin: germline.
Comment: The p.R224L variant (also known as c.671G>T), located in coding exon 5 of the POLD1 gene, results from a G to T substitution at nucleotide position 671. The arginine at codon 224 is replaced by leucine, an amino acid with dissimilar properties. This amino acid position is conserved. In addition, this alteration is predicted to be tolerated by in silico analysis. Since supporting evidence is limited at this time, the clinical significance of this alteration remains unclear.

Labcorp Genetics (formerly Invitae), Labcorp
Classification: Uncertain significance for POLD1-related polyposis and colorectal cancer syndrome. Last evaluated: 2022-08-10. Review status: criteria provided, single submitter. Criteria: Invitae Variant Classification Sherloc (09022015). Collection method: clinical testing. Allele origin: germline.
Comment: This variant is not present in population databases (gnomAD no frequency). This sequence change replaces arginine, which is basic and polar, with leucine, which is neutral and non-polar, at codon 224 of the POLD1 protein (p.Arg224Leu). In summary, the available evidence is currently insufficient to determine the role of this variant in disease. Therefore, it has been classified as a Variant of Uncertain Significance. Algorithms developed to predict the effect of missense changes on protein structure and function are either unavailable or do not agree on the potential impact of this missense change (SIFT: "Deleterious"; PolyPhen-2: "Possibly Damaging"; Align-GVGD: "Class C0"). ClinVar contains an entry for this variant (Variation ID: 1430509). This variant has not been reported in the literature in individuals affected with POLD1-related conditions.